The following is an entry in ClinVar:

ClinVar aggregate classification (germline): Pathogenic. Review status: criteria provided, multiple submitters, no conflicts (2 of 4 stars). 2 submissions from 2 submitters: Pathogenic (2). Last evaluated 2025-06-09.

Submissions (2):

Dasa
Classification: Pathogenic. Last evaluated: 2025-06-09. Review status: criteria provided, single submitter. Criteria: DASA Assertion Criteria. Collection method: clinical testing. Allele origin: germline.
Comment: NM_001002295.2(GATA3):c.701dup (p.Ser237Glnfs*67) introduces a premature termination codon predicted to result in loss of normal protein function. Loss-of-function is an established mechanism of disease for this gene. This variant has been reported in individuals with related phenotype (PMID: 36194208). The variant is present at low frequency in population datasets. Based on the available data, this variant is classified as pathogenic.

CeGaT Center for Human Genetics Tuebingen
Classification: Pathogenic. Last evaluated: 2019-10-01. Review status: criteria provided, single submitter. Criteria: CeGaT Center For Human Genetics Tuebingen Variant Classification Criteria Version 2. Collection method: clinical testing. Allele origin: germline. Affected: yes. Observed: 4 variant alleles.

Literature cited by the submitters: PubMed 36194208 (cited by Dasa).

NM_001002295.2(GATA3):c.701dup (p.Ser237fs)

Gene: GATA3 (GATA binding protein 3; plus strand). Cytogenetic location: 10p14.
Variant type: Duplication.
Coding change: c.701dup on transcript NM_001002295.2 (MANE Select); coding-DNA position 701, one base duplicated (T; older notation c.701dupT).
Protein change: p.Ser237fs; shifts the reading frame from serine 237.
Molecular consequence: frameshift variant.
Genome position (GRCh38, 1-based): chr10:8,058,764, T duplicated; the last of 2 consecutive T bases (chr10:8,058,763-8,058,764); duplicating either gives the same sequence. VCF-style (leftmost placement, unchanged base first): chr10-8058762-C-CT. GRCh37 (hg19) VCF-style: chr10-8100725-C-CT.
Other names: c.701dup, p.Ser237fs (NM_002051.3); short protein forms S237fs.
Identifiers: ClinVar variation 623732 (VCV000623732.44), dbSNP rs1564399278, ClinGen allele CA645553562.